The following is an entry in ClinVar:

NM_004385.5(VCAN):c.3718C>G (p.Pro1240Ala)

Gene: VCAN (versican; plus strand). Cytogenetic location: 5q14.3.
Variant type: single nucleotide variant.
Coding change: c.3718C>G on transcript NM_004385.5 (MANE Select); coding-DNA position 3718, C replaced by G.
Protein change: p.Pro1240Ala; replaces proline 1240 with alanine.
Molecular consequence: missense variant. On other transcripts: intron variant (2).
Genome position (GRCh38, 1-based): chr5:83,522,024, C>G. VCF-style: chr5-83522024-C-G. GRCh37 (hg19) VCF-style: chr5-82817843-C-G.
Other names: c.3718C>G (NM_004385.4); c.3718C>G, p.Pro1240Ala (NM_001164098.2); c.1042+9628C>G (NM_001164097.2, NM_001126336.3); short protein forms P1240A.
Identifiers: ClinVar variation 1015167 (VCV001015167.8), dbSNP rs374590975, ClinGen allele CA3333047.

ClinVar aggregate classification (germline): Conflicting classifications of pathogenicity. Review status: criteria provided, conflicting classifications (1 of 4 stars). 3 submissions from 3 submitters: Uncertain significance (2); Likely benign (1). Last evaluated 2025-08-23.

Conditions:
Inborn genetic diseases. Identifiers: MedGen C0950123, MeSH D030342.

Allele frequency attached by ClinVar (database versions not stated): gnomAD 0.00001; ExAC 0.00003; gnomAD exomes 0.00003; TOPMed 0.00003; ESP Exome Variant Server 0.00008.
gnomAD v4.1: 40 of 1,614,070 alleles (0.0025%); highest among the groups gnomAD compares: Non-Finnish European, 0.0034%; 1 homozygote.

Submissions (3):

Ambry Genetics
Classification: Uncertain significance for Inborn genetic diseases. Last evaluated: 2025-08-23. Review status: criteria provided, single submitter. Criteria: Ambry Variant Classification Scheme 2023. Collection method: clinical testing. Allele origin: germline.

Labcorp Genetics (formerly Invitae), Labcorp
Classification: Uncertain significance. Last evaluated: 2025-07-14. Review status: criteria provided, single submitter. Criteria: Invitae Variant Classification Sherloc (09022015). Collection method: clinical testing. Allele origin: germline.
Comment: This sequence change replaces proline, which is neutral and non-polar, with alanine, which is neutral and non-polar, at codon 1240 of the VCAN protein (p.Pro1240Ala). This variant is present in population databases (rs374590975, gnomAD 0.005%). This variant has not been reported in the literature in individuals affected with VCAN-related conditions. ClinVar contains an entry for this variant (Variation ID: 1015167). An algorithm developed to predict the effect of missense changes on protein structure and function (PolyPhen-2) suggests that this variant is likely to be disruptive. In summary, the available evidence is currently insufficient to determine the role of this variant in disease. Therefore, it has been classified as a Variant of Uncertain Significance.

Blueprint Genetics
Classification: Likely benign. Last evaluated: 2024-05-17. Review status: criteria provided, single submitter. Criteria: ACMG Guidelines, 2015. Collection method: clinical testing. Allele origin: germline.